The following is an entry in ClinVar:

ClinVar aggregate classification (germline): Benign. Review status: criteria provided, multiple submitters, no conflicts (2 of 4 stars). 5 submissions from 5 submitters: Benign (5). Last evaluated 2026-02-03.

Conditions:
Orthostatic hypotension 1 (ORTHYP1). Also called: Dopamine beta-hydroxylase deficiency; Orthostatic hypotension 1, due to DBH deficiency; NORADRENALINE DEFICIENCY; NOREPINEPHRINE DEFICIENCY. Identifiers: Orphanet 230, MedGen C4746777, MONDO:0009123, OMIM 223360.

Allele frequency attached by ClinVar (database versions not stated): 1000 Genomes Project 30x 0.02780; 1000 Genomes Project 0.02796; TOPMed 0.04189; gnomAD 0.04471 and 0.04537; ESP Exome Variant Server 0.04498.
gnomAD v4.1: 93,884 of 1,613,308 alleles (5.8%); highest among the groups gnomAD compares: Non-Finnish European, 6.6%; 3,080 homozygotes.

Submissions (5):

Labcorp Genetics (formerly Invitae), Labcorp
Classification: Benign for Orthostatic hypotension 1. Last evaluated: 2026-02-03. Review status: criteria provided, single submitter. Criteria: Invitae Variant Classification Sherloc (09022015). Collection method: clinical testing. Allele origin: germline.

Blueprint Genetics
Classification: Benign. Last evaluated: 2024-11-27. Review status: criteria provided, single submitter. Criteria: ACMG Guidelines, 2015. Collection method: clinical testing. Allele origin: germline.

GeneDx
Classification: Benign. Last evaluated: 2021-05-16. Review status: criteria provided, single submitter. Criteria: GeneDx Variant Classification Process June 2021. Collection method: clinical testing. Allele origin: germline. Affected: yes.

Illumina Laboratory Services, Illumina
Classification: Benign for Orthostatic hypotension 1. Last evaluated: 2018-01-12. Review status: criteria provided, single submitter. Criteria: ICSL Variant Classification Criteria 13 December 2019. Collection method: clinical testing. Allele origin: germline.
Comment: This variant was observed in the ICSL laboratory as part of a predisposition screen in an ostensibly healthy population. It had not been previously curated by ICSL or reported in the Human Gene Mutation Database (HGMD: prior to June 1st, 2018), and was therefore a candidate for classification through an automated scoring system. Utilizing variant allele frequency, disease prevalence and penetrance estimates, and inheritance mode, an automated score was calculated to assess if this variant is too frequent to cause the disease. Based on the score and internal cut-off values, a variant classified as benign is not then subjected to further curation. The score for this variant resulted in a classification of benign for this disease.

Breakthrough Genomics
Classification: Benign. Review status: criteria provided, single submitter. Criteria: ACMG Guidelines, 2015. Collection method: not provided. Allele origin: germline. Inheritance: Autosomal recessive inheritance. Affected: yes.

NM_000787.4(DBH):c.486+13C>T

Gene: DBH (dopamine beta-hydroxylase; plus strand). Cytogenetic location: 9q34.2.
Variant type: single nucleotide variant.
Coding change: c.486+13C>T on transcript NM_000787.4 (MANE Select); 13 bases into the intron after coding-DNA position 486, C replaced by T.
Molecular consequence: intron variant.
Genome position (GRCh38, 1-based): chr9:133,640,005, C>T. VCF-style: chr9-133640005-C-T. GRCh37 (hg19) VCF-style: chr9-136505127-C-T.
Identifiers: ClinVar variation 365637 (VCV000365637.16), dbSNP rs1611119, ClinGen allele CA5313069.